The following is an entry in ClinVar:

ClinVar aggregate classification (germline): Uncertain significance (1 of 4 stars; one submission).

gnomAD v4.1: 9 of 1,614,248 alleles (0.00056%); highest among the groups gnomAD compares: South Asian, 0.0088%; no homozygotes.

Submission:

Labcorp Genetics (formerly Invitae), Labcorp
Classification: Uncertain significance. Last evaluated: 2024-07-12. Review status: criteria provided, single submitter. Criteria: Invitae Variant Classification Sherloc (09022015). Collection method: clinical testing. Allele origin: germline.
Comment: This sequence change replaces glutamine, which is neutral and polar, with proline, which is neutral and non-polar, at codon 406 of the ALPK1 protein (p.Gln406Pro). This variant is not present in population databases (gnomAD no frequency). This variant has not been reported in the literature in individuals affected with ALPK1-related conditions. Advanced modeling of protein sequence and biophysical properties (such as structural, functional, and spatial information, amino acid conservation, physicochemical variation, residue mobility, and thermodynamic stability) performed at Invitae indicates that this missense variant is not expected to disrupt ALPK1 protein function with a negative predictive value of 80%. In summary, the available evidence is currently insufficient to determine the role of this variant in disease. Therefore, it has been classified as a Variant of Uncertain Significance.

NM_025144.4(ALPK1):c.1217A>C (p.Gln406Pro)

Gene: ALPK1 (alpha kinase 1; plus strand). Cytogenetic location: 4q25.
Variant type: single nucleotide variant.
Coding change: c.1217A>C on transcript NM_025144.4 (MANE Select); coding-DNA position 1217, A replaced by C.
Protein change: p.Gln406Pro; replaces glutamine 406 with proline.
Molecular consequence: missense variant.
Genome position (GRCh38, 1-based): chr4:112,430,764, A>C. VCF-style: chr4-112430764-A-C. GRCh37 (hg19) VCF-style: chr4-113351920-A-C.
Other names: c.1217A>C, p.Gln406Pro (NM_001102406.2); c.983A>C, p.Gln328Pro (NM_001253884.2); short protein forms Q328P, Q406P.
Identifiers: ClinVar variation 3717963 (VCV003717963.2).